The following is an entry in ClinVar:

NM_018979.4(WNK1):c.4925C>T (p.Thr1642Ile)

Gene: WNK1 (WNK lysine deficient protein kinase 1; plus strand). Cytogenetic location: 12p13.33.
Variant type: single nucleotide variant.
Coding change: c.4925C>T on transcript NM_018979.4 (MANE Select); coding-DNA position 4925, C replaced by T.
Protein change: p.Thr1642Ile; replaces threonine 1642 with isoleucine.
Molecular consequence: missense variant.
Genome position (GRCh38, 1-based): chr12:885,729, C>T. VCF-style: chr12-885729-C-T. GRCh37 (hg19) VCF-style: chr12-994895-C-T.
Other names: c.5705C>T, p.Thr1902Ile (NM_001184985.2); c.4184C>T, p.Thr1395Ile (NM_014823.3); c.5681C>T, p.Thr1894Ile (NM_213655.5); short protein forms T1642I, T1894I, T1395I, T1902I.
Identifiers: ClinVar variation 471193 (VCV000471193.8), dbSNP rs1555150817, ClinGen allele CA383332227.

ClinVar aggregate classification (germline): Uncertain significance (1 of 4 stars; one submission).

Conditions:
Neuropathy, hereditary sensory and autonomic, type 2A (HSAN2A). Also called: HSAN IIA; WNK1-Related HSAN2 (HSAN2A); ACROOSTEOLYSIS, GIACCAI TYPE; ACROOSTEOLYSIS, NEUROGENIC; MORVAN DISEASE; NEUROPATHY, CONGENITAL SENSORY. Identifiers: Orphanet 970, MedGen C2752089, MONDO:0024309, OMIM 201300.
Pseudohypoaldosteronism type 2C (PHA2C). Also called: Pseudohypoaldosteronism Type IIC. Identifiers: Orphanet 757, Orphanet 88940, MedGen C1840391, MONDO:0013778, OMIM 614492.

Allele frequency attached by ClinVar (database versions not stated): gnomAD exomes below 0.00001.
gnomAD v4.1: 1 of 1,614,184 alleles (0.000062%); highest among the groups gnomAD compares: Non-Finnish European, 0.000085%; no homozygotes.

Submission:

Labcorp Genetics (formerly Invitae), Labcorp
Classification: Uncertain significance for Neuropathy, hereditary sensory and autonomic, type 2A; Pseudohypoaldosteronism type 2C. Last evaluated: 2017-03-22. Review status: criteria provided, single submitter. Criteria: Invitae Variant Classification Sherloc (09022015). Collection method: clinical testing. Allele origin: germline.
Comment: This sequence change replaces threonine with isoleucine at codon 1642 of the WNK1 protein (p.Thr1642Ile). The threonine residue is moderately conserved and there is a moderate physicochemical difference between threonine and isoleucine. This variant is not present in population databases (ExAC no frequency) and has not been reported in the literature in individuals with a WNK1-related disease. Algorithms developed to predict the effect of missense changes on protein structure and function do not agree on the potential impact of this missense change (SIFT: "Deleterious"; PolyPhen-2: "Benign"; Align-GVGD: "Class C0"). In summary, this variant is a novel missense change with uncertain impact on protein function. It has been classified as a Variant of Uncertain Significance.